The following is an entry in ClinVar:

ClinVar aggregate classification (germline): Likely benign. Review status: criteria provided, multiple submitters, no conflicts (2 of 4 stars). 3 submissions from 3 submitters: Likely benign (3). Last evaluated 2025-09-15.

Conditions:
ABCA4-related disorder. Also called: ABCA4-related condition; ABCA4-related disorders. Identifiers: MedGen CN239167.

Allele frequency attached by ClinVar (database versions not stated): gnomAD exomes 0.00001.
gnomAD v4.1: 3 of 1,614,224 alleles (0.00019%); highest among the groups gnomAD compares: East Asian, 0.0022%; no homozygotes.

Submissions (3):

PreventionGenetics, part of Exact Sciences
Classification: Likely benign for ABCA4-related condition. Last evaluated: 2025-09-15. Review status: criteria provided, single submitter. Criteria: ACMG Guidelines, 2015. Collection method: clinical testing. Allele origin: germline.
Comment: This variant is classified as likely benign based on ACMG/AMP sequence variant interpretation guidelines (Richards et al. 2015 PMID: 25741868, with internal and published modifications).

Labcorp Genetics (formerly Invitae), Labcorp
Classification: Likely benign. Last evaluated: 2024-01-05. Review status: criteria provided, single submitter. Criteria: Invitae Variant Classification Sherloc (09022015). Collection method: clinical testing. Allele origin: germline.

Blueprint Genetics
Classification: Likely benign. Last evaluated: 2022-12-27. Review status: criteria provided, single submitter. Criteria: ACMG Guidelines, 2015. Collection method: clinical testing. Allele origin: germline.

NM_000350.3(ABCA4):c.3318G>A (p.Lys1106=)

Gene: ABCA4 (ATP binding cassette subfamily A member 4; minus strand). Cytogenetic location: 1p22.1.
Variant type: single nucleotide variant.
Coding change: c.3318G>A on transcript NM_000350.3 (MANE Select); coding-DNA position 3318, G replaced by A.
Protein change: p.Lys1106=; no amino-acid change (lysine 1106 retained).
Molecular consequence: synonymous variant.
Genome position (GRCh38, 1-based): chr1:94,042,771, C>T on the plus strand (G>A on the coding strand, the complement: ABCA4 is on the minus strand). VCF-style: chr1-94042771-C-T. GRCh37 (hg19) VCF-style: chr1-94508327-C-T.
Other names: c.3318G>A (NM_000350.2); c.3096G>A, p.Lys1032= (NM_001425324.1).
Identifiers: ClinVar variation 1160242 (VCV001160242.11), dbSNP rs756731889, ClinGen allele CA957982.